The following is an entry in ClinVar:

ClinVar aggregate classification (germline): Uncertain significance (1 of 4 stars; one submission).

Conditions:
Early-infantile DEE. Also called: Ohtahara syndrome; Early infantile epileptic encephalopathy with suppression bursts; Early infantile epileptic encephalopathy. Identifiers: Orphanet 1934, MedGen C0393706, MONDO:0800491.

Submission:

Labcorp Genetics (formerly Invitae), Labcorp
Classification: Uncertain significance for Early-infantile DEE. Last evaluated: 2022-06-20. Review status: criteria provided, single submitter. Criteria: Invitae Variant Classification Sherloc (09022015). Collection method: clinical testing. Allele origin: germline.
Comment: This missense change has been observed in at least one individual who was not affected with SCN1A-related conditions (Invitae). This variant has not been reported in the literature in individuals affected with SCN1A-related conditions. This variant is not present in population databases (gnomAD no frequency). This sequence change replaces phenylalanine, which is neutral and non-polar, with cysteine, which is neutral and slightly polar, at codon 1226 of the SCN1A protein (p.Phe1226Cys). ClinVar contains an entry for this variant (Variation ID: 1010277). Advanced modeling of protein sequence and biophysical properties (such as structural, functional, and spatial information, amino acid conservation, physicochemical variation, residue mobility, and thermodynamic stability) performed at Invitae indicates that this missense variant is expected to disrupt SCN1A protein function. In summary, the available evidence is currently insufficient to determine the role of this variant in disease. Therefore, it has been classified as a Variant of Uncertain Significance.

NM_001165963.4(SCN1A):c.3677T>G (p.Phe1226Cys)

Genes: SCN1A (sodium voltage-gated channel alpha subunit 1; minus strand), LOC102724058 (uncharacterized LOC102724058; plus strand). Cytogenetic location: 2q24.3.
Variant type: single nucleotide variant.
Coding change: c.3677T>G on transcript NM_001165963.4 (MANE Select); coding-DNA position 3677, T replaced by G.
Protein change: p.Phe1226Cys; replaces phenylalanine 1226 with cysteine.
Molecular consequence: missense variant. On other transcripts: non-coding transcript variant (1).
Genome position (GRCh38, 1-based): chr2:166,013,772, A>C on the plus strand (T>G on the coding strand, the complement: SCN1A is on the minus strand). VCF-style: chr2-166013772-A-C. GRCh37 (hg19) VCF-style: chr2-166870282-A-C.
Other names: c.3593T>G, p.Phe1198Cys (NM_001165964.3, NM_001353957.2, NM_001353958.2); c.3677T>G, p.Phe1226Cys (NM_001202435.3, NM_001353948.2); c.3644T>G, p.Phe1215Cys (NM_001353949.2, NM_001353950.2, NM_001353951.2 and 2 more transcripts); c.3641T>G, p.Phe1214Cys (NM_001353954.2, NM_001353955.2); c.3590T>G, p.Phe1197Cys (NM_001353960.2); c.1235T>G, p.Phe412Cys (NM_001353961.2); short protein forms F1197C, F1198C, F1214C, F1215C, F1226C, F412C.
Identifiers: ClinVar variation 1010277 (VCV001010277.11), dbSNP rs1692863303, ClinGen allele CA349055800.